The following is an entry in ClinVar:

NM_004655.4(AXIN2):c.318T>C (p.Asp106=)

Gene: AXIN2 (axin 2; minus strand). Cytogenetic location: 17q24.1.
Variant type: single nucleotide variant.
Coding change: c.318T>C on transcript NM_004655.4 (MANE Select); coding-DNA position 318, T replaced by C.
Protein change: p.Asp106=; no amino-acid change (aspartic acid 106 retained).
Molecular consequence: synonymous variant.
Genome position (GRCh38, 1-based): chr17:65,558,303, A>G on the plus strand (T>C on the coding strand, the complement: AXIN2 is on the minus strand). VCF-style: chr17-65558303-A-G. GRCh37 (hg19) VCF-style: chr17-63554421-A-G.
Other names: c.318T>C, p.Asp106= (NM_001363813.1).
Identifiers: ClinVar variation 3254291 (VCV003254291.1), dbSNP rs2144588079.
Genomic context (GRCh38, chr17:65,558,303, plus strand): 5'-TTTGGTATCCTTCAGGTTCATCTGCCTGAATCCATTGCAGGCAAACCAGAAGTCTAAGGT[A>G]TCCACGCATTTCTCCCTCTCCAGGAAAGTTCGGAACAGGTAAGCACCGTCTTGATCGCCC-3'
Protein context (NP_004646.3, residues 96-116): RTFLEREKCV[Asp106=]TLDFWFACNG

ClinVar aggregate classification (germline): Benign (1 of 4 stars; one submission).

Conditions:
Oligodontia-cancer predisposition syndrome. Also called: TOOTH AGENESIS-COLORECTAL CANCER SYNDROME. Identifiers: Orphanet 300576, MedGen C1837750, MONDO:0012075, OMIM 608615. Disease mechanism: loss of function.

Allele frequency attached by ClinVar (database versions not stated): gnomAD exomes below 0.00001.
gnomAD v4.1: 1 of 1,614,198 alleles (0.000062%); highest among the groups gnomAD compares: African/African-American, 0.0013%; no homozygotes.

Submission:

Myriad Genetics, Inc.
Classification: Benign for Oligodontia-cancer predisposition syndrome. Last evaluated: 2024-06-26. Review status: criteria provided, single submitter. Criteria: Myriad Autosomal Dominant, Autosomal Recessive and X-Linked Classification Criteria (2023). Collection method: clinical testing. Allele origin: unknown.
Comment: This variant is considered benign. This variant is a silent/synonymous amino acid change and it is not expected to impact splicing.